The following is an entry in ClinVar:

ClinVar aggregate classification (germline): Benign. Review status: criteria provided, multiple submitters, no conflicts (2 of 4 stars). 5 submissions from 5 submitters: Benign (5). Last evaluated 2022-10-18.

Conditions:
Age related macular degeneration 1 (ARMD1). Also called: MACULOPATHY, AGE-RELATED, 1. Identifiers: MedGen C1864205, MONDO:0011285, OMIM 603075.
Hemolytic uremic syndrome, atypical, susceptibility to, 1. Also called: AHUS, SUSCEPTIBILITY TO, 1. Identifiers: Orphanet 2134, Orphanet 90038, MedGen C2749604, MONDO:0009335, OMIM 235400. Disease mechanism: Other.

Allele frequency attached by ClinVar (database versions not stated): gnomAD exomes 0.00664; gnomAD 0.01951 and 0.02034; 1000 Genomes Project 0.02875; ExAC 0.00764; ESP Exome Variant Server 0.02557; 1000 Genomes Project 30x 0.03670.
gnomAD v4.1: 6,298 of 1,532,622 alleles (0.41%); highest among the groups gnomAD compares: African/African-American, 7.6%; 1,579 homozygotes.

Submissions (5):

Mayo Clinic Laboratories, Mayo Clinic
Classification: Benign. Last evaluated: 2022-10-18. Review status: criteria provided, single submitter. Criteria: ACMG Guidelines, 2015. Collection method: clinical testing. Allele origin: germline. Observed: 92 variant alleles.
Comment: BA1, BP4

Fulgent Genetics
Classification: Benign for Hemolytic uremic syndrome, atypical, susceptibility to, 1; Age related macular degeneration 1. Last evaluated: 2021-10-27. Review status: criteria provided, single submitter. Criteria: ACMG Guidelines, 2015. Collection method: clinical testing. Allele origin: unknown.

Labcorp Genetics (formerly Invitae), Labcorp
Classification: Benign. Last evaluated: 2019-12-31. Review status: criteria provided, single submitter. Criteria: Invitae Variant Classification Sherloc (09022015). Collection method: clinical testing. Allele origin: germline.

GeneDx
Classification: Benign. Last evaluated: 2019-01-18. Review status: criteria provided, single submitter. Criteria: GeneDx Variant Classification Process June 2021. Collection method: clinical testing. Allele origin: germline. Affected: yes.
Comment: This variant is associated with the following publications: (PMID: 27064621, 33213850, 32890900)

Breakthrough Genomics
Classification: Benign. Review status: criteria provided, single submitter. Criteria: ACMG Guidelines, 2015. Collection method: not provided. Allele origin: germline. Inheritance: Autosomal recessive inheritance. Affected: yes.

Literature cited by the submitters: PubMed 27064621 (cited by Mayo Clinic Laboratories, Mayo Clinic); PubMed 32890900 (cited by Mayo Clinic Laboratories, Mayo Clinic); PubMed 33213850 (cited by Mayo Clinic Laboratories, Mayo Clinic); PubMed 34973142 (cited by Mayo Clinic Laboratories, Mayo Clinic).

NM_021023.6(CFHR3):c.424C>T (p.Arg142Cys)

Gene: CFHR3 (complement factor H related 3; plus strand). Cytogenetic location: 1q31.3.
Variant type: single nucleotide variant.
Coding change: c.424C>T on transcript NM_021023.6 (MANE Select); coding-DNA position 424, C replaced by T.
Protein change: p.Arg142Cys; replaces arginine 142 with cysteine.
Molecular consequence: missense variant.
Genome position (GRCh38, 1-based): chr1:196,779,967, C>T. VCF-style: chr1-196779967-C-T. GRCh37 (hg19) VCF-style: chr1-196749097-C-T.
Other names: p.Arg142Cys; c.424C>T, p.Arg142Cys (NM_001166624.2); short protein forms R142C.
Identifiers: ClinVar variation 775633 (VCV000775633.10), dbSNP rs61737525, ClinGen allele CA1306135.